The following is an entry in ClinVar:

ClinVar aggregate classification (germline): Conflicting classifications of pathogenicity. Review status: criteria provided, conflicting classifications (1 of 4 stars). 3 submissions from 3 submitters: Uncertain significance (1); Likely benign (1). 1 of the submissions does not count toward it. Last evaluated 2025-10-27.

Conditions:
Xanthinuria type II. Also called: Xanthine dehydrogenase and aldehyde oxidase combined deficiency of; XDH and AOX dual deficiency. Identifiers: Orphanet 3467, Orphanet 93602, MedGen C1863688, MONDO:0011346, OMIM 603592.
Hereditary xanthinuria type 1 (XAN1). Identifiers: Orphanet 3467, Orphanet 93601, MedGen C0268118, MONDO:0010209, OMIM 278300.
XDH-related disorder. Also called: XDH-related condition.

Allele frequency attached by ClinVar (database versions not stated): gnomAD exomes 0.00004 and 0.00006; ExAC 0.00005; TOPMed 0.00005; gnomAD 0.00009 and 0.00011; ESP Exome Variant Server 0.00015.
gnomAD v4.1: 104 of 1,614,048 alleles (0.0064%); highest among the groups gnomAD compares: Admixed American, 0.0083%; no homozygotes.

Submissions (3):

Labcorp Genetics (formerly Invitae), Labcorp
Classification: Likely benign for Xanthinuria type II. Last evaluated: 2025-10-27. Review status: criteria provided, single submitter. Criteria: Invitae Variant Classification Sherloc (09022015). Collection method: clinical testing. Allele origin: germline.

Illumina Laboratory Services, Illumina
Classification: Uncertain significance for Hereditary xanthinuria type 1. Last evaluated: 2018-01-13. Review status: criteria provided, single submitter. Criteria: ICSL Variant Classification Criteria 13 December 2019. Collection method: clinical testing. Allele origin: germline.

PreventionGenetics, part of Exact Sciences
Classification: Likely benign for XDH-related condition. Last evaluated: 2019-04-09. Review status: no assertion criteria provided. Collection method: clinical testing. Allele origin: germline. Not counted in ClinVar's aggregate classification.
Comment: This variant is classified as likely benign based on ACMG/AMP sequence variant interpretation guidelines (Richards et al. 2015 PMID: 25741868, with internal and published modifications).

NM_000379.4(XDH):c.1856+10A>G

Gene: XDH (xanthine dehydrogenase; minus strand). Cytogenetic location: 2p23.1.
Variant type: single nucleotide variant.
Coding change: c.1856+10A>G on transcript NM_000379.4 (MANE Select); 10 bases into the intron after coding-DNA position 1856, A replaced by G.
Molecular consequence: intron variant.
Genome position (GRCh38, 1-based): chr2:31,372,218, T>C on the plus strand (A>G on the coding strand, the complement: XDH is on the minus strand). VCF-style: chr2-31372218-T-C. GRCh37 (hg19) VCF-style: chr2-31595084-T-C.
Identifiers: ClinVar variation 898635 (VCV000898635.8), dbSNP rs372889724, ClinGen allele CA1599062.
Genomic context (GRCh38, chr2:31,372,218, plus strand): 5'-GAAGTCTCCTGGGTACTCCCAGTGGCCCCCTCACAGCATTCCACCAGCTCCTCCTGGCGG[T>C]GTCACTCACTTGATCTTGGCGTGGGCCCGGGTGCTGGTGACCAGCCGGAGAGACAGCTCA-3'